The following is an entry in ClinVar:

NM_002875.5(RAD51):c.143C>A (p.Thr48Asn)

Gene: RAD51 (RAD51 recombinase; plus strand). Cytogenetic location: 15q15.1.
Variant type: single nucleotide variant.
Coding change: c.143C>A on transcript NM_002875.5 (MANE Select); coding-DNA position 143, C replaced by A.
Protein change: p.Thr48Asn; replaces threonine 48 with asparagine.
Molecular consequence: missense variant.
Genome position (GRCh38, 1-based): chr15:40,701,119, C>A. VCF-style: chr15-40701119-C-A. GRCh37 (hg19) VCF-style: chr15-40993317-C-A.
Other names: c.143C>A, p.Thr48Asn (NM_001164269.2, NM_001164270.2, NM_133487.4); short protein forms T48N.
Identifiers: ClinVar variation 2565486 (VCV002565486.2), dbSNP rs2141819225, ClinGen allele CA391745757.
Genomic context (GRCh38, chr15:40,701,119, plus strand): 5'-TGCAGCAGTGTGGCATAAATGCCAACGATGTGAAGAAATTGGAAGAAGCTGGATTCCATA[C>A]TGTGGAGGCTGTTGCCTATGCGCCAAAGAAGGAGCTAATAAATATTAAGGGAATTAGTGA-3'
Protein context (NP_002866.2, residues 38-58): VKKLEEAGFH[Thr48Asn]VEAVAYAPKK

ClinVar aggregate classification (germline): Uncertain significance (1 of 4 stars; one submission).

Conditions:
Inborn genetic diseases. Identifiers: MedGen C0950123, MeSH D030342.

Submission:

Ambry Genetics
Classification: Uncertain significance for Inborn genetic diseases. Last evaluated: 2023-05-21. Review status: criteria provided, single submitter. Criteria: Ambry Variant Classification Scheme 2023. Collection method: clinical testing. Allele origin: germline.
Comment: The p.T48N variant (also known as c.143C>A), located in coding exon 2 of the RAD51 gene, results from a C to A substitution at nucleotide position 143. The threonine at codon 48 is replaced by asparagine, an amino acid with similar properties. This amino acid position is conserved. In addition, the in silico prediction for this alteration is inconclusive. Since supporting evidence is limited at this time, the clinical significance of this alteration remains unclear.